The following is an entry in ClinVar:

NM_002160.4(TNC):c.6496-18del

Gene: TNC (tenascin C; minus strand). Cytogenetic location: 9q33.1.
Variant type: Deletion.
Coding change: c.6496-18del on transcript NM_002160.4 (MANE Select); 18 bases into the intron before coding-DNA position 6496, one base deleted (C; older notation c.6496-18delC).
Molecular consequence: intron variant.
Genome position (GRCh38, 1-based): chr9:115,021,285, G deleted on the plus strand (C on the coding strand, the reverse complement: TNC is on the minus strand). VCF-style (leftmost placement, unchanged base first): chr9-115021284-AG-A. GRCh37 (hg19) VCF-style: chr9-117783563-AG-A.
Identifiers: ClinVar variation 930251 (VCV000930251.3), dbSNP rs1419724369, ClinGen allele CA590149747.

ClinVar aggregate classification (germline): Uncertain significance (1 of 4 stars; one submission).

Conditions:
Autosomal dominant nonsyndromic hearing loss 56. Also called: Deafness, autosomal dominant 56. Identifiers: Orphanet 90635, MedGen C3810170, MONDO:0014283, OMIM 615629.

Allele frequency attached by ClinVar (database versions not stated): gnomAD exomes 0.00083.

Submission:

Centre for Mendelian Genomics, University Medical Centre Ljubljana
Classification: Uncertain significance for Autosomal dominant nonsyndromic hearing loss 56. Last evaluated: 2020-03-23. Review status: criteria provided, single submitter. Criteria: ACMG Guidelines, 2015. Collection method: clinical testing. Allele origin: unknown. Affected: yes.
Comment: This variant was classified as: Uncertain significance. The available evidence on this variant's pathogenicity is insufficient or conflicting. The following ACMG criteria were applied in classifying this variant: PM2.